The following is an entry in ClinVar:

NM_014918.5(CHSY1):c.2395G>T (p.Val799Leu)

Gene: CHSY1 (chondroitin sulfate synthase 1; minus strand). Cytogenetic location: 15q26.3.
Variant type: single nucleotide variant.
Coding change: c.2395G>T on transcript NM_014918.5 (MANE Select); coding-DNA position 2395, G replaced by T.
Protein change: p.Val799Leu; replaces valine 799 with leucine.
Molecular consequence: missense variant.
Genome position (GRCh38, 1-based): chr15:101,177,402, C>A on the plus strand (G>T on the coding strand, the complement: CHSY1 is on the minus strand). VCF-style: chr15-101177402-C-A. GRCh37 (hg19) VCF-style: chr15-101717607-C-A.
Other names: c.2395G>T (NM_014918.4); short protein forms V799L.
Identifiers: ClinVar variation 2085702 (VCV002085702.5), dbSNP rs145722081, ClinGen allele CA7762358.

ClinVar aggregate classification (germline): Uncertain significance. Review status: criteria provided, multiple submitters, no conflicts (2 of 4 stars). 3 submissions from 3 submitters: Uncertain significance (3). Last evaluated 2025-02-28.

Conditions:
Temtamy preaxial brachydactyly syndrome (TPBS). Identifiers: Orphanet 363417, MedGen C1854466, MONDO:0011533, OMIM 605282.
Inborn genetic diseases. Identifiers: MedGen C0950123, MeSH D030342.

Allele frequency attached by ClinVar (database versions not stated): ExAC 0.00006; gnomAD 0.00017; ESP Exome Variant Server 0.00023; TOPMed 0.00035.
gnomAD v4.1: 59 of 1,612,560 alleles (0.0037%); highest among the groups gnomAD compares: African/African-American, 0.061%; no homozygotes.

Submissions (3):

Ambry Genetics
Classification: Uncertain significance for Inborn genetic diseases. Last evaluated: 2025-02-28. Review status: criteria provided, single submitter. Criteria: Ambry Variant Classification Scheme 2023. Collection method: clinical testing. Allele origin: germline.

GeneDx
Classification: Uncertain significance. Last evaluated: 2024-10-10. Review status: criteria provided, single submitter. Criteria: GeneDx Variant Classification Process June 2021. Collection method: clinical testing. Allele origin: germline. Affected: yes.
Comment: In silico analysis indicates that this missense variant does not alter protein structure/function; Has not been previously published as pathogenic or benign to our knowledge

Labcorp Genetics (formerly Invitae), Labcorp
Classification: Uncertain significance for Temtamy preaxial brachydactyly syndrome. Last evaluated: 2022-04-01. Review status: criteria provided, single submitter. Criteria: Invitae Variant Classification Sherloc (09022015). Collection method: clinical testing. Allele origin: germline.
Comment: Algorithms developed to predict the effect of missense changes on protein structure and function (SIFT, PolyPhen-2, Align-GVGD) all suggest that this variant is likely to be tolerated. This variant has not been reported in the literature in individuals affected with CHSY1-related conditions. This variant is present in population databases (rs145722081, gnomAD 0.06%). This sequence change replaces valine, which is neutral and non-polar, with leucine, which is neutral and non-polar, at codon 799 of the CHSY1 protein (p.Val799Leu). In summary, the available evidence is currently insufficient to determine the role of this variant in disease. Therefore, it has been classified as a Variant of Uncertain Significance.